The following is an entry in ClinVar:

NM_000044.6(AR):c.2629T>C (p.Phe877Leu)

Gene: AR (androgen receptor; plus strand). Cytogenetic location: Xq12.
Variant type: single nucleotide variant.
Coding change: c.2629T>C on transcript NM_000044.6 (MANE Select); coding-DNA position 2629, T replaced by C.
Protein change: p.Phe877Leu; replaces phenylalanine 877 with leucine.
Molecular consequence: missense variant.
Genome position (GRCh38, 1-based): chrX:67,723,707, T>C. VCF-style: chrX-67723707-T-C. GRCh37 (hg19) VCF-style: chrX-66943549-T-C.
Other names: c.1033T>C, p.Phe345Leu (NM_001011645.3); short protein forms F877L, F345L.
Identifiers: ClinVar variation 376347 (VCV000376347.4), dbSNP rs1057519864, ClinGen allele CA16602789.

ClinVar aggregate classification (germline): Uncertain significance (1 of 4 stars; one submission).

Conditions:
Androgen resistance syndrome (AIS). Also called: ANDROGEN RECEPTOR DEFICIENCY; DIHYDROTESTOSTERONE RECEPTOR DEFICIENCY; Androgen insensitivity syndrome; TESTICULAR FEMINIZATION SYNDROME; Androgen insensitivity; Androgen insensitivity syndrome due to coactivator deficiency. Identifiers: Orphanet 754, Orphanet 99429, MedGen C0039585, MONDO:0019154, OMIM 300068. Disease mechanism: loss of function.
Kennedy disease (SMAX1). Also called: SPINAL AND BULBAR MUSCULAR ATROPHY, X-LINKED 1; Spinal and Bulbar Muscular Atrophy; KENNEDY SPINAL AND BULBAR MUSCULAR ATROPHY. Identifiers: Orphanet 481, MedGen C1839259, MONDO:0010735, OMIM 313200.

Submission:

Labcorp Genetics (formerly Invitae), Labcorp
Classification: Uncertain significance for Kennedy disease; Androgen resistance syndrome. Last evaluated: 2023-10-18. Review status: criteria provided, single submitter. Criteria: Invitae Variant Classification Sherloc (09022015). Collection method: clinical testing. Allele origin: germline.
Comment: This sequence change replaces phenylalanine, which is neutral and non-polar, with leucine, which is neutral and non-polar, at codon 877 of the AR protein (p.Phe877Leu). This variant is not present in population databases (gnomAD no frequency). This variant has not been reported in the literature in individuals affected with AR-related conditions. ClinVar contains an entry for this variant (Variation ID: 376347). Advanced modeling of protein sequence and biophysical properties (such as structural, functional, and spatial information, amino acid conservation, physicochemical variation, residue mobility, and thermodynamic stability) has been performed at Invitae for this missense variant, however the output from this modeling did not meet the statistical confidence thresholds required to predict the impact of this variant on AR protein function. In summary, the available evidence is currently insufficient to determine the role of this variant in disease. Therefore, it has been classified as a Variant of Uncertain Significance.